The following is an entry in ClinVar:

ClinVar aggregate classification (germline): Uncertain significance (1 of 4 stars; one submission).

Conditions:
Fanconi anemia (FA). Also called: Fanconi's anemia. Identifiers: Orphanet 84, MedGen C0015625, MeSH D005199, MONDO:0019391.

gnomAD v4.1: 1 of 1,613,022 alleles (0.000062%); highest among the groups gnomAD compares: Non-Finnish European, 0.000085%; no homozygotes.

Submission:

Labcorp Genetics (formerly Invitae), Labcorp
Classification: Uncertain significance for Fanconi anemia. Last evaluated: 2022-12-03. Review status: criteria provided, single submitter. Criteria: Invitae Variant Classification Sherloc (09022015). Collection method: clinical testing. Allele origin: germline.
Comment: In summary, the available evidence is currently insufficient to determine the role of this variant in disease. Therefore, it has been classified as a Variant of Uncertain Significance. Algorithms developed to predict the effect of missense changes on protein structure and function are either unavailable or do not agree on the potential impact of this missense change (SIFT: "Deleterious"; PolyPhen-2: "Probably Damaging"; Align-GVGD: "Class C0"). This variant has not been reported in the literature in individuals affected with FANCM-related conditions. This variant is not present in population databases (gnomAD no frequency). This sequence change replaces aspartic acid, which is acidic and polar, with tyrosine, which is neutral and polar, at codon 1604 of the FANCM protein (p.Asp1604Tyr).

NM_020937.4(FANCM):c.4810G>T (p.Asp1604Tyr)

Gene: FANCM (FA complementation group M; plus strand). Cytogenetic location: 14q21.2.
Variant type: single nucleotide variant.
Coding change: c.4810G>T on transcript NM_020937.4 (MANE Select); coding-DNA position 4810, G replaced by T.
Protein change: p.Asp1604Tyr; replaces aspartic acid 1604 with tyrosine.
Molecular consequence: missense variant.
Genome position (GRCh38, 1-based): chr14:45,188,832, G>T. VCF-style: chr14-45188832-G-T. GRCh37 (hg19) VCF-style: chr14-45658035-G-T.
Other names: c.4732G>T, p.Asp1578Tyr (NM_001308133.2); short protein forms D1578Y, D1604Y.
Identifiers: ClinVar variation 2818287 (VCV002818287.3), dbSNP rs2503242656, ClinGen allele CA389610828.
Genomic context (GRCh38, chr14:45,188,832, plus strand): 5'-ATATAAAACATTCTTGTGTTTTTATTGTAGATTCCTGAACAAGATGAAACCTATTTAGAG[G>T]ATAGTTTTTGTGTTGATGAAGAGGAGTCTTGCAAAGGCCAATCAAGTGAAGAAGAAGTTT-3'
Protein context (NP_065988.1, residues 1594-1614): IPEQDETYLE[Asp1604Tyr]SFCVDEEESC